The following is an entry in ClinVar:

ClinVar aggregate classification (germline): Likely benign. Review status: criteria provided, multiple submitters, no conflicts (2 of 4 stars). 2 submissions from 2 submitters: Likely benign (2). Last evaluated 2025-08-01.

Conditions:
Cardiovascular phenotype. Identifiers: MedGen CN230736.
Hereditary cancer-predisposing syndrome. Also called: Neoplastic Syndromes, Hereditary; Tumor predisposition; Hereditary Cancer Syndrome; Hereditary neoplastic syndrome. Identifiers: Orphanet 140162, MedGen C0027672, MeSH D009386, MONDO:0015356.

Submissions (2):

CeGaT Center for Human Genetics Tuebingen
Classification: Likely benign. Last evaluated: 2025-08-01. Review status: criteria provided, single submitter. Criteria: CeGaT Center For Human Genetics Tuebingen Variant Classification Criteria Version 2. Collection method: clinical testing. Allele origin: germline. Affected: yes. Observed: 1 variant allele.
Comment: NF1: PM2:Supporting, BP4, BP7

Ambry Genetics
Classification: Likely benign for Cardiovascular phenotype; Hereditary cancer-predisposing syndrome. Last evaluated: 2025-02-02. Review status: criteria provided, single submitter. Criteria: Ambry Variant Classification Scheme 2023. Collection method: clinical testing. Allele origin: germline.

NM_001042492.3(NF1):c.6711A>G (p.Ala2237=)

Gene: NF1 (neurofibromin 1; plus strand). Cytogenetic location: 17q11.2.
Variant type: single nucleotide variant.
Coding change: c.6711A>G on transcript NM_001042492.3 (MANE Select); coding-DNA position 6711, A replaced by G.
Protein change: p.Ala2237=; no amino-acid change (alanine 2237 retained).
Molecular consequence: synonymous variant.
Genome position (GRCh38, 1-based): chr17:31,338,031, A>G. VCF-style: chr17-31338031-A-G. GRCh37 (hg19) VCF-style: chr17-29665049-A-G.
Other names: c.6648A>G, p.Ala2216= (NM_000267.4).
Identifiers: ClinVar variation 3879087 (VCV003879087.9).